The following is an entry in ClinVar:

ClinVar aggregate classification (germline): Likely benign. Review status: criteria provided, multiple submitters, no conflicts (2 of 4 stars). 3 submissions from 3 submitters: Likely benign (2). 1 of the submissions does not count toward it. Last evaluated 2025-01-27.

Conditions:
ABCA1-related disorder. Also called: ABCA1-related condition; ABCA1-related disorders. Identifiers: MedGen CN239173.
Cardiovascular phenotype. Identifiers: MedGen CN230736.

Allele frequency attached by ClinVar (database versions not stated): TOPMed below 0.00001; gnomAD 0.00001; gnomAD exomes 0.00001; ExAC 0.00004.
gnomAD v4.1: 9 of 1,614,048 alleles (0.00056%); highest among the groups gnomAD compares: Admixed American, 0.015%; no homozygotes.

Submissions (3):

Labcorp Genetics (formerly Invitae), Labcorp
Classification: Likely benign. Last evaluated: 2025-01-27. Review status: criteria provided, single submitter. Criteria: Invitae Variant Classification Sherloc (09022015). Collection method: clinical testing. Allele origin: germline.

Ambry Genetics
Classification: Likely benign for Cardiovascular phenotype. Last evaluated: 2023-12-31. Review status: criteria provided, single submitter. Criteria: Ambry Variant Classification Scheme 2023. Collection method: clinical testing. Allele origin: germline.

PreventionGenetics, part of Exact Sciences
Classification: Likely benign for ABCA1-related condition. Last evaluated: 2019-02-19. Review status: no assertion criteria provided. Collection method: clinical testing. Allele origin: germline. Not counted in ClinVar's aggregate classification.
Comment: This variant is classified as likely benign based on ACMG/AMP sequence variant interpretation guidelines (Richards et al. 2015 PMID: 25741868, with internal and published modifications).

NM_005502.4(ABCA1):c.2191C>T (p.Leu731=)

Gene: ABCA1 (ATP binding cassette subfamily A member 1; minus strand). Cytogenetic location: 9q31.1.
Variant type: single nucleotide variant.
Coding change: c.2191C>T on transcript NM_005502.4 (MANE Select); coding-DNA position 2191, C replaced by T.
Protein change: p.Leu731=; no amino-acid change (leucine 731 retained).
Molecular consequence: synonymous variant.
Genome position (GRCh38, 1-based): chr9:104,827,094, G>A on the plus strand (C>T on the coding strand, the complement: ABCA1 is on the minus strand). VCF-style: chr9-104827094-G-A. GRCh37 (hg19) VCF-style: chr9-107589375-G-A.
Other names: c.2191C>T (NM_005502.3).
Identifiers: ClinVar variation 1940759 (VCV001940759.8), dbSNP rs752032706, ClinGen allele CA5168788.